The following is an entry in ClinVar:

NM_144670.6(A2ML1):c.1934T>C (p.Leu645Pro)

Gene: A2ML1 (alpha-2-macroglobulin like 1; plus strand). Cytogenetic location: 12p13.31.
Variant type: single nucleotide variant.
Coding change: c.1934T>C on transcript NM_144670.6 (MANE Select); coding-DNA position 1934, T replaced by C.
Protein change: p.Leu645Pro; replaces leucine 645 with proline.
Molecular consequence: missense variant.
Genome position (GRCh38, 1-based): chr12:8,848,820, T>C. VCF-style: chr12-8848820-T-C. GRCh37 (hg19) VCF-style: chr12-9001416-T-C.
Other names: c.461T>C, p.Leu154Pro (NM_001282424.3); short protein forms L154P, L645P.
Identifiers: ClinVar variation 4984540 (VCV004984540.1).

ClinVar aggregate classification (germline): Uncertain significance (1 of 4 stars; one submission).

Conditions:
A2ML1-related disorder. Also called: A2ML1-related condition.

gnomAD v4.1: 1 of 1,614,014 alleles (0.000062%); highest among the groups gnomAD compares: Non-Finnish European, 0.000085%; no homozygotes.

Submission:

PreventionGenetics, part of Exact Sciences
Classification: Uncertain significance for A2ML1-related condition. Last evaluated: 2026-05-12. Review status: criteria provided, single submitter. Criteria: ACMG Guidelines, 2015. Collection method: clinical testing. Allele origin: germline.
Comment: The A2ML1 c.1934T>C variant is predicted to result in the amino acid substitution p.Leu645Pro. To our knowledge, this variant has not been reported in the literature or in a large population database (gnomAD), indicating this variant is rare. At this time, the clinical significance of this variant is uncertain due to the absence of conclusive functional and genetic evidence.